The following is an entry in ClinVar:

ClinVar aggregate classification (germline): Conflicting classifications of pathogenicity. Review status: criteria provided, conflicting classifications (1 of 4 stars). 5 submissions from 5 submitters: Uncertain significance (3); Likely benign (2). Last evaluated 2026-08-28.

Conditions:
NEXN-related disorder. Also called: NEXN-related condition; NEXN-related disorders.
Cardiovascular phenotype. Identifiers: MedGen CN230736.
Hypertrophic cardiomyopathy 20. Identifiers: MedGen C3151267, MONDO:0013477, OMIM 613876.
Dilated cardiomyopathy 1CC (CMD1CC). Identifiers: Orphanet 154, MedGen C2751084, MONDO:0013147, OMIM 613122.

Submissions (5):

PreventionGenetics, part of Exact Sciences
Classification: Uncertain significance for NEXN-related condition. Last evaluated: 2026-08-28. Review status: criteria provided, single submitter. Criteria: ACMG Guidelines, 2015. Collection method: clinical testing. Allele origin: germline.
Comment: The NEXN c.1680_1682delGGA variant is predicted to result in an in-frame deletion (p.Glu562del). This variant has been reported in an individual with dilated cardiomyopathy (DCM; Table S3, Mazzarotto et al. 2020. PubMed ID: 31983221). This variant is reported in 0.0031% of alleles in individuals of European (non-Finnish) descent in gnomAD. Although we suspect that this variant may be benign, the clinical significance of this variant is uncertain at this time due to the absence of conclusive functional and genetic evidence.

ARUP Laboratories, Molecular Genetics and Genomics, ARUP Laboratories
Classification: Uncertain significance. Last evaluated: 2023-06-15. Review status: criteria provided, single submitter. Criteria: ARUP Molecular Germline Variant Investigation Process 2024. Collection method: clinical testing. Allele origin: germline.
Comment: The NEXN c.1680_1682del; p.Glu562del variant (rs397517848) is reported in the literature in an individual affected with dilated cardiomyopathy (Mazzarotto 2020). This variant is reported in ClinVar (Variation ID: 201945) and is found in the general population with an overall allele frequency of 0.0018% (5/279,708 alleles) in the Genome Aggregation Database. This variant deletes a single glutamate residue leaving the rest of the protein in-frame. Due to limited information, the clinical significance of this variant is uncertain at this time. References: Mazzarotto F et al. Reevaluating the Genetic Contribution of Monogenic Dilated Cardiomyopathy. Circulation. 2020 Feb 4;141(5):387-398. PMID: 31983221.

Labcorp Genetics (formerly Invitae), Labcorp
Classification: Uncertain significance for Dilated cardiomyopathy 1CC; Hypertrophic cardiomyopathy 20. Last evaluated: 2023-05-23. Review status: criteria provided, single submitter. Criteria: Invitae Variant Classification Sherloc (09022015). Collection method: clinical testing. Allele origin: germline.
Comment: In summary, the available evidence is currently insufficient to determine the role of this variant in disease. Therefore, it has been classified as a Variant of Uncertain Significance. ClinVar contains an entry for this variant (Variation ID: 201945). This variant has not been reported in the literature in individuals affected with NEXN-related conditions. This variant is present in population databases (rs769530172, gnomAD 0.006%). This variant, c.1680_1682del, results in the deletion of 1 amino acid(s) of the NEXN protein (p.Glu562del), but otherwise preserves the integrity of the reading frame.

Ambry Genetics
Classification: Likely benign for Cardiovascular phenotype. Last evaluated: 2021-03-22. Review status: criteria provided, single submitter. Criteria: Ambry Variant Classification Scheme 2023. Collection method: clinical testing. Allele origin: germline.

GeneDx
Classification: Likely benign. Last evaluated: 2019-02-27. Review status: criteria provided, single submitter. Criteria: GeneDx Variant Classification Process June 2021. Collection method: clinical testing. Allele origin: germline. Affected: yes.
Comment: This variant is associated with the following publications: (PMID: 31983221)

Literature cited by the submitters: PubMed 31983221 (cited by Ambry Genetics).

NM_144573.4(NEXN):c.1671GGA[3] (p.Glu562del)

Gene: NEXN (nexilin F-actin binding protein; plus strand). Cytogenetic location: 1p31.1.
Variant type: Microsatellite.
Coding change: c.1671GGA[3] on transcript NM_144573.4 (MANE Select); three copies in a row of the 3-base unit GGA starting at c.1671; the reference has four copies in a row; one copy, 3 bases deleted.
Protein change: p.Glu562del; deletes glutamic acid 562.
Molecular consequence: inframe deletion.
Genome position (GRCh38, 1-based): chr1:77,942,481-77,942,483, GGA deleted; deleting any 3 consecutive bases within chr1:77,942,470-77,942,483 gives the same sequence; the position shown is the placement nearest the transcript's 3' end. VCF-style (leftmost placement, unchanged base first): chr1-77942469-AGAG-A. GRCh37 (hg19) VCF-style: chr1-78408154-AGAG-A.
Other names: c.1680_1682delGGA (NM_144573.3); c.1479GGA[3], p.Glu498del (NM_001172309.2); short protein forms E562del, E498del.
Identifiers: ClinVar variation 201945 (VCV000201945.13), dbSNP rs397517848, ClinGen allele CA335469.